The following is an entry in ClinVar:

ClinVar aggregate classification (germline): Pathogenic (1 of 4 stars; one submission).

Conditions:
Gnathodiaphyseal dysplasia (GDD). Also called: GNATHODIAPHYSEAL SCLEROSIS; OSTEOGENESIS IMPERFECTA WITH UNUSUAL SKELETAL LESIONS. Identifiers: Orphanet 53697, MedGen C1833736, MONDO:0008151, OMIM 166260.
Autosomal recessive limb-girdle muscular dystrophy type 2L (LGMDR12). Also called: Limb-girdle muscular dystrophy, type 2L; MUSCULAR DYSTROPHY, LIMB-GIRDLE, AUTOSOMAL RECESSIVE 12; Limb-Girdle Muscular Dystrophy R12 Anoctamin-5-Related (LGMD-R12). Identifiers: Orphanet 206549, MedGen C1969785, MONDO:0012652, OMIM 611307.

Submission:

Labcorp Genetics (formerly Invitae), Labcorp
Classification: Pathogenic for Autosomal recessive limb-girdle muscular dystrophy type 2L; Gnathodiaphyseal dysplasia. Last evaluated: 2024-08-05. Review status: criteria provided, single submitter. Criteria: Invitae Variant Classification Sherloc (09022015). Collection method: clinical testing. Allele origin: germline.
Comment: This sequence change creates a premature translational stop signal (p.Leu398Trpfs*29) in the ANO5 gene. It is expected to result in an absent or disrupted protein product. Loss-of-function variants in ANO5 are known to be pathogenic (PMID: 21186264, 23606453, 25891276, 30919934). This variant is not present in population databases (gnomAD no frequency). This variant has not been reported in the literature in individuals affected with ANO5-related conditions. For these reasons, this variant has been classified as Pathogenic.

Literature cited by the submitters: PubMed 21186264; PubMed 23606453; PubMed 25891276; PubMed 30919934.

NM_213599.3(ANO5):c.1193del (p.Leu398fs)

Gene: ANO5 (anoctamin 5; plus strand). Cytogenetic location: 11p14.3.
Variant type: Deletion.
Coding change: c.1193del on transcript NM_213599.3 (MANE Select); coding-DNA position 1193, one base deleted (T; older notation c.1193delT).
Protein change: p.Leu398fs; shifts the reading frame from leucine 398.
Molecular consequence: frameshift variant.
Genome position (GRCh38, 1-based): chr11:22,255,383, T deleted; the last of 5 consecutive T bases (chr11:22,255,379-22,255,383); deleting any one gives the same sequence. VCF-style (leftmost placement, unchanged base first): chr11-22255378-AT-A. GRCh37 (hg19) VCF-style: chr11-22276924-AT-A.
Other names: c.1190del, p.Leu397fs (NM_001142649.2); c.1151del, p.Leu384fs (NM_001410963.1); c.1148del, p.Leu383fs (NM_001410964.1); short protein forms L383fs, L384fs, L397fs, L398fs.
Identifiers: ClinVar variation 3753767 (VCV003753767.2).